The following is an entry in ClinVar:

ClinVar aggregate classification (germline): Uncertain significance (1 of 4 stars; one submission).

Conditions:
Tetralogy of Fallot (TOF). Identifiers: Orphanet 3303, MedGen C0039685, MONDO:0008542, OMIM 187500, HP:0001636.

Allele frequency attached by ClinVar (database versions not stated): TOPMed 0.00001.
gnomAD v4.1: 8 of 1,613,830 alleles (0.0005%); highest among the groups gnomAD compares: Non-Finnish European, 0.00068%; no homozygotes.

Submission:

Centre for Mendelian Genomics, University Medical Centre Ljubljana
Classification: Uncertain significance for Tetralogy of Fallot. Last evaluated: 2016-01-01. Review status: criteria provided, single submitter. Criteria: ACMG Guidelines, 2015. Collection method: clinical testing. Allele origin: unknown. Affected: yes.
Comment: This variant was classified as: Uncertain significance. The following ACMG criteria were applied in classifying this variant: PM2,PP4.

NM_012082.4(ZFPM2):c.2238A>G (p.Leu746=)

Genes: ZFPM2 (zinc finger protein, FOG family member 2; plus strand), ZFPM2-AS1 (ZFPM2 antisense RNA 1; minus strand), LOC126860469 (BRD4-independent group 4 enhancer GRCh37_chr8:106814445-106815644; plus strand). Cytogenetic location: 8q23.1.
Variant type: single nucleotide variant.
Coding change: c.2238A>G on transcript NM_012082.4 (MANE Select); coding-DNA position 2238, A replaced by G.
Protein change: p.Leu746=; no amino-acid change (leucine 746 retained).
Molecular consequence: synonymous variant.
Genome position (GRCh38, 1-based): chr8:105,802,320, A>G. VCF-style: chr8-105802320-A-G. GRCh37 (hg19) VCF-style: chr8-106814548-A-G.
Other names: c.2079A>G, p.Leu693= (NM_001362836.2); c.1842A>G, p.Leu614= (NM_001362837.2).
Identifiers: ClinVar variation 931052 (VCV000931052.3), dbSNP rs1814052830, ClinGen allele CA462650440.